The following is an entry in ClinVar:

ClinVar aggregate classification (germline): Likely benign. Review status: criteria provided, multiple submitters, no conflicts (2 of 4 stars). 2 submissions from 2 submitters: Likely benign (2). Last evaluated 2026-03-01.

Allele frequency attached by ClinVar (database versions not stated): TOPMed 0.00009.
gnomAD v4.1: 49 of 1,600,352 alleles (0.0031%); highest among the groups gnomAD compares: Admixed American, 0.052%; no homozygotes.

Submissions (2):

CeGaT Center for Human Genetics Tuebingen
Classification: Likely benign. Last evaluated: 2026-03-01. Review status: criteria provided, single submitter. Criteria: CeGaT Center For Human Genetics Tuebingen Variant Classification Criteria Version 2. Collection method: clinical testing. Allele origin: germline. Affected: yes. Observed: 1 variant allele.
Comment: DOCK6: BP4, BP7

Labcorp Genetics (formerly Invitae), Labcorp
Classification: Likely benign. Last evaluated: 2025-12-01. Review status: criteria provided, single submitter. Criteria: Invitae Variant Classification Sherloc (09022015). Collection method: clinical testing. Allele origin: germline.

NM_020812.4(DOCK6):c.2196C>T (p.His732=)

Gene: DOCK6 (dedicator of cytokinesis 6; minus strand). Cytogenetic location: 19p13.2.
Variant type: single nucleotide variant.
Coding change: c.2196C>T on transcript NM_020812.4 (MANE Select); coding-DNA position 2196, C replaced by T.
Protein change: p.His732=; no amino-acid change (histidine 732 retained).
Molecular consequence: synonymous variant.
Genome position (GRCh38, 1-based): chr19:11,236,542, G>A on the plus strand (C>T on the coding strand, the complement: DOCK6 is on the minus strand). VCF-style: chr19-11236542-G-A. GRCh37 (hg19) VCF-style: chr19-11347218-G-A.
Other names: c.2196C>T, p.His732= (NM_001367830.1).
Identifiers: ClinVar variation 761921 (VCV000761921.12), dbSNP rs777169104, ClinGen allele CA9207703.
Genomic context (GRCh38, chr19:11,236,542, plus strand): 5'-GTTGCCCTCGCTCAGCACAGTGTCCTTGAGCCGGAATGGGAAGGCTCCCTCCTCCAGGAC[G>A]TGCACCAGGGTGAAGAATTTGTCCAGGTAGGGGTCCTGGGTAGGGATGTGGAGTGAGCAG-3'
Protein context (NP_065863.2, residues 722-742): PYLDKFFTLV[His732=]VLEEGAFPFR